The following is an entry in ClinVar:

NM_000195.5(HPS1):c.868-1G>C

Gene: HPS1 (HPS1 biogenesis of lysosomal organelles complex 3 subunit 1; minus strand). Cytogenetic location: 10q24.2.
Variant type: single nucleotide variant.
Coding change: c.868-1G>C on transcript NM_000195.5 (MANE Select); the canonical splice acceptor site of the intron before coding-DNA position 868, G replaced by C.
Molecular consequence: splice acceptor variant.
Genome position (GRCh38, 1-based): chr10:98,429,643, C>G on the plus strand (G>C on the coding strand, the complement: HPS1 is on the minus strand). VCF-style: chr10-98429643-C-G. GRCh37 (hg19) VCF-style: chr10-100189400-C-G.
Other names: c.499-1G>C (NM_001322483.2, NM_001322484.2); c.607-1G>C (NM_001322480.2, NM_001322481.2); c.769-1G>C (NM_001322478.2, NM_001322479.2, NM_001322491.2); c.868-1G>C (NM_001322476.2, NM_001322477.2, NM_182639.4 and 1 more transcripts); c.400-1G>C (NM_001322485.2); c.508-1G>C (NM_001322482.2); c.-105-1G>C (NM_001322489.2, NM_001311345.2, NM_001322487.2); c.651-1G>C (NM_001322492.2); and 1 more.
Identifiers: ClinVar variation 1469101 (VCV001469101.7), dbSNP rs532348840, ClinGen allele CA5639231.

ClinVar aggregate classification (germline): Likely pathogenic. Review status: criteria provided, multiple submitters, no conflicts (2 of 4 stars). 2 submissions from 2 submitters: Likely pathogenic (2). Last evaluated 2025-09-19.

Conditions:
Hermansky-Pudlak syndrome (HPS). Also called: ALBINISM WITH HEMORRHAGIC DIATHESIS AND PIGMENTED RETICULOENDOTHELIAL CELLS. Identifiers: Orphanet 79430, MedGen C0079504, MONDO:0019312.

Allele frequency attached by ClinVar (database versions not stated): gnomAD 0.00001; gnomAD exomes 0.00001; ExAC 0.00002; 1000 Genomes Project 30x 0.00016; 1000 Genomes Project 0.00020.
gnomAD v4.1: 6 of 1,614,198 alleles (0.00037%); highest among the groups gnomAD compares: South Asian, 0.0055%; no homozygotes.

Submissions (2):

Natera, Inc.
Classification: Likely pathogenic for Hermansky-Pudlak syndrome. Last evaluated: 2025-09-19. Review status: criteria provided, single submitter. Criteria: Natera Variant Classification Schema (03/2026). Collection method: clinical testing. Allele origin: germline.
Comment: The c.868-1G>C variant in HPS1 is a canonical splice acceptor site variant predicted to affect pre-mRNA splicing, which may result in an abnormal transcript and altered protein product. This variant is expected to result in nonsense mediated decay, truncation, or a dysfunctional protein product. This variant is rare in the general population with a frequency below the threshold expected for the associated phenotype(s). Given the available evidence, this variant is classified as Likely Pathogenic.

Labcorp Genetics (formerly Invitae), Labcorp
Classification: Likely pathogenic. Last evaluated: 2023-09-21. Review status: criteria provided, single submitter. Criteria: Invitae Variant Classification Sherloc (09022015). Collection method: clinical testing. Allele origin: germline.
Comment: In summary, the currently available evidence indicates that the variant is pathogenic, but additional data are needed to prove that conclusively. Therefore, this variant has been classified as Likely Pathogenic. Algorithms developed to predict the effect of sequence changes on RNA splicing suggest that this variant may disrupt the consensus splice site. ClinVar contains an entry for this variant (Variation ID: 1469101). This variant has not been reported in the literature in individuals affected with HPS1-related conditions. This variant is present in population databases (rs532348840, gnomAD 0.01%). This sequence change affects an acceptor splice site in intron 9 of the HPS1 gene. It is expected to disrupt RNA splicing. Variants that disrupt the donor or acceptor splice site typically lead to a loss of protein function (PMID: 16199547), and loss-of-function variants in HPS1 are known to be pathogenic (PMID: 12442288, 16185271).

Literature cited by the submitters: PubMed 16199547 (cited by Labcorp Genetics (formerly Invitae), Labcorp); PubMed 12442288 (cited by Labcorp Genetics (formerly Invitae), Labcorp); PubMed 16185271 (cited by Labcorp Genetics (formerly Invitae), Labcorp).